The following is an entry in ClinVar:

ClinVar aggregate classification (germline): Likely benign. Review status: criteria provided, multiple submitters, no conflicts (2 of 4 stars). 3 submissions from 3 submitters: Likely benign (2). 1 of the submissions does not count toward it. Last evaluated 2025-03-24.

Conditions:
LPIN1-related disorder. Also called: LPIN1-related condition.

gnomAD v4.1: 53 of 1,614,140 alleles (0.0033%); highest among the groups gnomAD compares: Non-Finnish European, 0.0042%; no homozygotes.

Submissions (3):

Labcorp Genetics (formerly Invitae), Labcorp
Classification: Likely benign. Last evaluated: 2025-03-24. Review status: criteria provided, single submitter. Criteria: Invitae Variant Classification Sherloc (09022015). Collection method: clinical testing. Allele origin: germline.

Blueprint Genetics
Classification: Likely benign. Last evaluated: 2023-11-15. Review status: criteria provided, single submitter. Criteria: ACMG Guidelines, 2015. Collection method: clinical testing. Allele origin: germline.

PreventionGenetics, part of Exact Sciences
Classification: Likely benign for LPIN1-related condition. Last evaluated: 2019-09-13. Review status: no assertion criteria provided. Collection method: clinical testing. Allele origin: germline. Not counted in ClinVar's aggregate classification.
Comment: This variant is classified as likely benign based on ACMG/AMP sequence variant interpretation guidelines (Richards et al. 2015 PMID: 25741868, with internal and published modifications).

NM_001349206.2(LPIN1):c.438G>T (p.Pro146=)

Gene: LPIN1 (lipin 1; plus strand). Cytogenetic location: 2p25.1.
Variant type: single nucleotide variant.
Coding change: c.438G>T on transcript NM_001349206.2 (MANE Select); coding-DNA position 438, G replaced by T.
Protein change: p.Pro146=; no amino-acid change (proline 146 retained).
Molecular consequence: synonymous variant. On other transcripts: non-coding transcript variant (1).
Genome position (GRCh38, 1-based): chr2:11,771,521, G>T. VCF-style: chr2-11771521-G-T. GRCh37 (hg19) VCF-style: chr2-11911647-G-T.
Other names: c.456G>T, p.Pro152= (NM_001261427.3); c.585G>T, p.Pro195= (NM_001261428.3, NM_001349208.2); c.438G>T, p.Pro146= (NM_001349199.2, NM_001349200.2, NM_001349201.2 and 5 more transcripts); c.528G>T, p.Pro176= (NM_001349207.2); c.438G>T (NM_145693.2).
Identifiers: ClinVar variation 2201574 (VCV002201574.7), dbSNP rs762701125, ClinGen allele CA1533431.